The following is an entry in ClinVar:

NM_014140.4(SMARCAL1):c.1427G>A (p.Arg476Gln)

Gene: SMARCAL1 (SNF2 related chromatin remodeling annealing helicase 1; plus strand). Cytogenetic location: 2q35.
Variant type: single nucleotide variant.
Coding change: c.1427G>A on transcript NM_014140.4 (MANE Select); coding-DNA position 1427, G replaced by A.
Protein change: p.Arg476Gln; replaces arginine 476 with glutamine.
Molecular consequence: missense variant.
Genome position (GRCh38, 1-based): chr2:216,432,810, G>A. VCF-style: chr2-216432810-G-A. GRCh37 (hg19) VCF-style: chr2-217297533-G-A.
Other names: p.Arg476Gln; c.1427G>A, p.Arg476Gln (NM_001127207.2); short protein forms R476Q.
Identifiers: ClinVar variation 281764 (VCV000281764.11), dbSNP rs142164846, ClinGen allele CA2097876.

ClinVar aggregate classification (germline): Uncertain significance. Review status: criteria provided, multiple submitters, no conflicts (2 of 4 stars). 5 submissions from 5 submitters: Uncertain significance (4). 1 of the submissions does not count toward it. Last evaluated 2025-10-17.

Conditions:
Schimke immuno-osseous dysplasia (SIOD). Also called: Schimke Immunoosseous Dysplasia. Identifiers: Orphanet 1830, MedGen C0877024, MONDO:0009458, OMIM 242900.

Allele frequency attached by ClinVar (database versions not stated): ExAC 0.00007; gnomAD exomes 0.00007; ESP Exome Variant Server 0.00015; gnomAD 0.00023 and 0.00026; TOPMed 0.00031.
gnomAD v4.1: 123 of 1,614,078 alleles (0.0076%); highest among the groups gnomAD compares: African/African-American, 0.092%; no homozygotes.

Submissions (5):

Mayo Clinic Laboratories, Mayo Clinic
Classification: Uncertain significance. Last evaluated: 2025-10-17. Review status: criteria provided, single submitter. Criteria: ACMG Guidelines, 2015. Collection method: clinical testing. Allele origin: germline. Observed: 1 variant allele.

Labcorp Genetics (formerly Invitae), Labcorp
Classification: Uncertain significance for Schimke immuno-osseous dysplasia. Last evaluated: 2022-07-06. Review status: criteria provided, single submitter. Criteria: Invitae Variant Classification Sherloc (09022015). Collection method: clinical testing. Allele origin: germline.
Comment: This sequence change replaces arginine, which is basic and polar, with glutamine, which is neutral and polar, at codon 476 of the SMARCAL1 protein (p.Arg476Gln). This variant is present in population databases (rs142164846, gnomAD 0.1%). This missense change has been observed in individual(s) with Schimke immuno-osseous dysplasia (PMID: 17089404, 22998683). ClinVar contains an entry for this variant (Variation ID: 281764). Algorithms developed to predict the effect of missense changes on protein structure and function output the following: SIFT: "Tolerated"; PolyPhen-2: "Benign"; Align-GVGD: "Class C0". The glutamine amino acid residue is found in multiple mammalian species, which suggests that this missense change does not adversely affect protein function. In summary, the available evidence is currently insufficient to determine the role of this variant in disease. Therefore, it has been classified as a Variant of Uncertain Significance.

Fulgent Genetics
Classification: Uncertain significance for Schimke immuno-osseous dysplasia. Last evaluated: 2018-10-31. Review status: criteria provided, single submitter. Criteria: ACMG Guidelines, 2015. Collection method: clinical testing. Allele origin: unknown.

Eurofins Ntd Llc (ga)
Classification: Uncertain significance. Last evaluated: 2015-07-28. Review status: criteria provided, single submitter. Criteria: EGL Classification Definitions 2015. Collection method: clinical testing. Allele origin: germline. Observed: 1 variant allele, 1 heterozygote.

Natera, Inc.
Classification: Uncertain significance for Schimke immuno-osseous dysplasia. Last evaluated: 2020-09-16. Review status: no assertion criteria provided. Collection method: clinical testing. Allele origin: germline. Not counted in ClinVar's aggregate classification.

Literature cited by the submitters: PubMed 17089404 (cited by 3 submitters); PubMed 22998683 (cited by Labcorp Genetics (formerly Invitae), Labcorp).